The following is an entry in ClinVar:

ClinVar aggregate classification (germline): Uncertain significance (1 of 4 stars; one submission).

gnomAD v4.1: 5 of 1,358,620 alleles (0.00037%); highest among the groups gnomAD compares: Non-Finnish European, 0.00048%; no homozygotes.

Submission:

Labcorp Genetics (formerly Invitae), Labcorp
Classification: Uncertain significance. Last evaluated: 2022-07-23. Review status: criteria provided, single submitter. Criteria: Invitae Variant Classification Sherloc (09022015). Collection method: clinical testing. Allele origin: germline.
Comment: In summary, the available evidence is currently insufficient to determine the role of this variant in disease. Therefore, it has been classified as a Variant of Uncertain Significance. Algorithms developed to predict the effect of missense changes on protein structure and function output the following: SIFT: "Tolerated"; PolyPhen-2: "Benign"; Align-GVGD: "Class C0". The glutamine amino acid residue is found in multiple mammalian species, which suggests that this missense change does not adversely affect protein function. This variant has not been reported in the literature in individuals affected with ADGRA3-related conditions. This variant is present in population databases (no rsID available, gnomAD 0.007%). This sequence change replaces histidine, which is basic and polar, with glutamine, which is neutral and polar, at codon 45 of the ADGRA3 protein (p.His45Gln).

NM_145290.4(ADGRA3):c.135C>G (p.His45Gln)

Gene: ADGRA3 (adhesion G protein-coupled receptor A3; minus strand). Cytogenetic location: 4p15.2.
Variant type: single nucleotide variant.
Coding change: c.135C>G on transcript NM_145290.4 (MANE Select); coding-DNA position 135, C replaced by G.
Protein change: p.His45Gln; replaces histidine 45 with glutamine.
Molecular consequence: missense variant.
Genome position (GRCh38, 1-based): chr4:22,515,650, G>C on the plus strand (C>G on the coding strand, the complement: ADGRA3 is on the minus strand). VCF-style: chr4-22515650-G-C. GRCh37 (hg19) VCF-style: chr4-22517273-G-C.
Other names: short protein forms H45Q.
Identifiers: ClinVar variation 2082831 (VCV002082831.4), dbSNP rs1479146029, ClinGen allele CA356507787.
Genomic context (GRCh38, chr4:22,515,650, plus strand): 5'-GCACACCACCTTGCCCTCGGCGGCGCCCGCCGCCCTGCCAGCCCCTCGGGGCCGCCCATC[G>C]TGCTTGCAGCCGGCGGGCAGCGCCGCGGCGCCGCCGCCGCCGCCGCCTCCCAGCAGCGCG-3'
Protein context (NP_660333.2, residues 35-55): GAAALPAGCK[His45Gln]DGRPRGAGRA